The following is an entry in ClinVar:

NM_000390.4(CHM):c.115dup (p.Ser39fs)

Gene: CHM (CHM Rab escort protein; minus strand). Cytogenetic location: Xq21.2.
Variant type: Duplication.
Coding change: c.115dup on transcript NM_000390.4 (MANE Select); coding-DNA position 115, one base duplicated (T; older notation c.115dupT).
Protein change: p.Ser39fs; shifts the reading frame from serine 39.
Molecular consequence: frameshift variant. On other transcripts: 5 prime UTR variant (4).
Genome position (GRCh38, 1-based): chrX:86,027,492, A duplicated on the plus strand (T on the coding strand, the reverse complement: CHM is on the minus strand); the first of 2 consecutive A bases (chrX:86,027,492-86,027,493); duplicating either gives the same sequence. VCF-style (leftmost placement, unchanged base first): chrX-86027491-G-GA. GRCh37 (hg19) VCF-style: chrX-85282495-G-GA.
Other names: c.115dup, p.Ser39fs (NM_001145414.4); c.-330dup (NM_001320959.1, NM_001362517.1); c.-326dup (NM_001362518.2, NM_001362519.1); short protein forms S39fs.
Identifiers: ClinVar variation 3725069 (VCV003725069.2).

ClinVar aggregate classification (germline): Pathogenic (1 of 4 stars; one submission).

Submission:

Labcorp Genetics (formerly Invitae), Labcorp
Classification: Pathogenic. Last evaluated: 2024-11-12. Review status: criteria provided, single submitter. Criteria: Invitae Variant Classification Sherloc (09022015). Collection method: clinical testing. Allele origin: germline.
Comment: This sequence change creates a premature translational stop signal (p.Ser39Phefs*13) in the CHM gene. It is expected to result in an absent or disrupted protein product. Loss-of-function variants in CHM are known to be pathogenic (PMID: 9067750, 23811034). This variant is not present in population databases (gnomAD no frequency). This variant has not been reported in the literature in individuals affected with CHM-related conditions. For these reasons, this variant has been classified as Pathogenic.

Literature cited by the submitters: PubMed 9067750; PubMed 23811034.